The following is an entry in ClinVar:

ClinVar aggregate classification (germline): Pathogenic. Review status: criteria provided, multiple submitters, no conflicts (2 of 4 stars). 2 submissions from 2 submitters: Pathogenic (2). Last evaluated 2021-04-28.

Conditions:
Neuromuscular disease caused by qualitative or quantitative defects of dystrophin. Also called: Qualitative or quantitative defects of dystrophin. Identifiers: Orphanet 207085, MedGen C5679787, MONDO:0016147.

Submissions (2):

Women's Health and Genetics/Laboratory Corporation of America, LabCorp
Classification: Pathogenic for Neuromuscular disease caused by qualitative or quantitative defects of dystrophin. Last evaluated: 2021-04-28. Review status: criteria provided, single submitter. Criteria: LabCorp Variant Classification Summary - May 2015. Collection method: clinical testing. Allele origin: germline.
Comment: Variant summary: DMD c.2512C>T (p.Gln838X) results in a premature termination codon, predicted to cause a truncation of the encoded protein or absence of the protein due to nonsense mediated decay, which are commonly known mechanisms for disease. Truncations downstream of this position have been classified as pathogenic by our laboratory. The variant was absent in 183489 control chromosomes. c.2512C>T has been reported in the literature in individuals affected with Dystrophinopathies, especially Duchenne Muscular Dystrophy (DMD) (example, Prior_2005, Selvatici_2021). To our knowledge, no experimental evidence demonstrating an impact on protein function has been reported. One clinical diagnostic laboratory has submitted clinical-significance assessments for this variant to ClinVar after 2014 without evidence for independent evaluation and classified the variant as pathogenic. Based on the evidence outlined above, the variant was classified as pathogenic.

Eurofins Ntd Llc (ga)
Classification: Pathogenic. Last evaluated: 2018-08-28. Review status: criteria provided, single submitter. Criteria: EGL ClinVar v180209 classification definitions. Collection method: clinical testing. Allele origin: germline. Observed: 2 variant alleles, 1 heterozygote, 1 hemizygote.

Literature cited by the submitters: PubMed 16049303 (cited by Women's Health and Genetics/Laboratory Corporation of America, LabCorp); PubMed 33376799 (cited by Women's Health and Genetics/Laboratory Corporation of America, LabCorp).

NM_004006.3(DMD):c.2512C>T (p.Gln838Ter)

Gene: DMD (dystrophin; minus strand). Cytogenetic location: Xp21.1.
Variant type: single nucleotide variant.
Coding change: c.2512C>T on transcript NM_004006.3 (MANE Select); coding-DNA position 2512, C replaced by T.
Protein change: p.Gln838Ter; replaces glutamine 838 with a stop codon.
Molecular consequence: nonsense.
Genome position (GRCh38, 1-based): chrX:32,491,387, G>A on the plus strand (C>T on the coding strand, the complement: DMD is on the minus strand). VCF-style: chrX-32491387-G-A. GRCh37 (hg19) VCF-style: chrX-32509504-G-A.
Other names: c.2488C>T, p.Gln830Ter (NM_000109.4); c.2500C>T, p.Gln834Ter (NM_004009.3); c.2143C>T, p.Gln715Ter (NM_004010.3); short protein forms Q838*, Q715*, Q834*, Q830*.
Identifiers: ClinVar variation 282233 (VCV000282233.8), dbSNP rs886042351, ClinGen allele CA10604115.